The following is an entry in ClinVar:

NM_000257.4(MYH7):c.2286+2T>G

Gene: MYH7 (myosin heavy chain 7; minus strand). Cytogenetic location: 14q11.2.
Variant type: single nucleotide variant.
Coding change: c.2286+2T>G on transcript NM_000257.4 (MANE Select); the canonical splice donor site of the intron after coding-DNA position 2286, T replaced by G.
Molecular consequence: splice donor variant.
Genome position (GRCh38, 1-based): chr14:23,425,693, A>C on the plus strand (T>G on the coding strand, the complement: MYH7 is on the minus strand). VCF-style: chr14-23425693-A-C. GRCh37 (hg19) VCF-style: chr14-23894902-A-C.
Other names: c.2286+2T>G (NM_001407004.1).
Identifiers: ClinVar variation 3653205 (VCV003653205.2).

ClinVar aggregate classification (germline): Uncertain significance (1 of 4 stars; one submission).

Conditions:
Hypertrophic cardiomyopathy. Also called: HYPERTROPHIC MYOCARDIOPATHY. Identifiers: Orphanet 217569, MedGen C0007194, MeSH D002312, MONDO:0005045, HP:0001639.

Submission:

Labcorp Genetics (formerly Invitae), Labcorp
Classification: Uncertain significance for Hypertrophic cardiomyopathy. Last evaluated: 2024-05-13. Review status: criteria provided, single submitter. Criteria: Invitae Variant Classification Sherloc (09022015). Collection method: clinical testing. Allele origin: germline.
Comment: This sequence change affects a donor splice site in intron 20 of the MYH7 gene. It is expected to disrupt RNA splicing. Variants that disrupt the donor or acceptor splice site typically lead to a loss of protein function (PMID: 16199547), however the current clinical and genetic evidence is not sufficient to establish whether loss-of-function variants in MYH7 cause disease. This variant is not present in population databases (gnomAD no frequency). This variant has not been reported in the literature in individuals affected with MYH7-related conditions. Algorithms developed to predict the effect of sequence changes on RNA splicing suggest that this variant may disrupt the consensus splice site. In summary, the available evidence is currently insufficient to determine the role of this variant in disease. Therefore, it has been classified as a Variant of Uncertain Significance.

Literature cited by the submitters: PubMed 16199547.